The following is an entry in ClinVar:

NM_015466.4(PTPN23):c.3939C>T (p.His1313=)

Gene: PTPN23 (protein tyrosine phosphatase non-receptor type 23; plus strand). Cytogenetic location: 3p21.31.
Variant type: single nucleotide variant.
Coding change: c.3939C>T on transcript NM_015466.4 (MANE Select); coding-DNA position 3939, C replaced by T.
Protein change: p.His1313=; no amino-acid change (histidine 1313 retained).
Molecular consequence: synonymous variant.
Genome position (GRCh38, 1-based): chr3:47,411,833, C>T. VCF-style: chr3-47411833-C-T. GRCh37 (hg19) VCF-style: chr3-47453323-C-T.
Other names: c.3561C>T, p.His1187= (NM_001304482.2).
Identifiers: ClinVar variation 1554951 (VCV001554951.12), dbSNP rs147051006, ClinGen allele CA2366407.

ClinVar aggregate classification (germline): Likely benign. Review status: criteria provided, multiple submitters, no conflicts (2 of 4 stars). 2 submissions from 2 submitters: Likely benign (2). Last evaluated 2026-01-01.

Allele frequency attached by ClinVar (database versions not stated): gnomAD 0.00005; ExAC 0.00006; gnomAD exomes 0.00006 and 0.00012; TOPMed 0.00006; ESP Exome Variant Server 0.00015.
gnomAD v4.1: 179 of 1,612,940 alleles (0.011%); highest among the groups gnomAD compares: East Asian, 0.042%; 1 homozygote.

Submissions (2):

CeGaT Center for Human Genetics Tuebingen
Classification: Likely benign. Last evaluated: 2026-01-01. Review status: criteria provided, single submitter. Criteria: CeGaT Center For Human Genetics Tuebingen Variant Classification Criteria Version 2. Collection method: clinical testing. Allele origin: germline. Affected: yes. Observed: 1 variant allele.
Comment: PTPN23: BP4, BP7

Labcorp Genetics (formerly Invitae), Labcorp
Classification: Likely benign. Last evaluated: 2025-12-22. Review status: criteria provided, single submitter. Criteria: Invitae Variant Classification Sherloc (09022015). Collection method: clinical testing. Allele origin: germline.